The following is an entry in ClinVar:

NM_000067.3(CA2):c.445G>A (p.Val149Ile)

Gene: CA2 (carbonic anhydrase 2; plus strand). Cytogenetic location: 8q21.2.
Variant type: single nucleotide variant.
Coding change: c.445G>A on transcript NM_000067.3 (MANE Select); coding-DNA position 445, G replaced by A.
Protein change: p.Val149Ile; replaces valine 149 with isoleucine.
Molecular consequence: missense variant.
Genome position (GRCh38, 1-based): chr8:85,475,798, G>A. VCF-style: chr8-85475798-G-A. GRCh37 (hg19) VCF-style: chr8-86388027-G-A.
Other names: c.142G>A, p.Val48Ile (NM_001293675.2); short protein forms V149I, V48I.
Identifiers: ClinVar variation 1515382 (VCV001515382.9), dbSNP rs186437298, ClinGen allele CA4796539.
Genomic context (GRCh38, chr8:85,475,798, plus strand): 5'-ATAAAAACTGGTACAGTACCAACTGGGTGATAGTATCTTGCCCTTTATGTTTTTCTTTAG[G>A]TTGGCAGCGCTAAACCGGGCCTTCAGAAAGTTGTTGATGTGCTGGATTCCATTAAAACAA-3'
Protein context (NP_000058.1, residues 139-159): GLAVLGIFLK[Val149Ile]GSAKPGLQKV

ClinVar aggregate classification (germline): Uncertain significance. Review status: criteria provided, multiple submitters, no conflicts (2 of 4 stars). 2 submissions from 2 submitters: Uncertain significance (2). Last evaluated 2024-04-27.

Conditions:
Osteopetrosis with renal tubular acidosis (OPTB3). Also called: Autosomal recessive osteopetrosis 3. Identifiers: Orphanet 2785, MedGen C0345407, MONDO:0009818, OMIM 259730.

Allele frequency attached by ClinVar (database versions not stated): ExAC 0.00001; gnomAD exomes 0.00001 and 0.00003; 1000 Genomes Project 30x 0.00016; 1000 Genomes Project 0.00020.
gnomAD v4.1: 10 of 1,613,762 alleles (0.00062%); highest among the groups gnomAD compares: Admixed American, 0.015%; no homozygotes.

Submissions (2):

Fulgent Genetics
Classification: Uncertain significance for Osteopetrosis with renal tubular acidosis. Last evaluated: 2024-04-27. Review status: criteria provided, single submitter. Criteria: ACMG Guidelines, 2015. Collection method: clinical testing. Allele origin: germline.

Labcorp Genetics (formerly Invitae), Labcorp
Classification: Uncertain significance. Last evaluated: 2021-08-25. Review status: criteria provided, single submitter. Criteria: Invitae Variant Classification Sherloc (09022015). Collection method: clinical testing. Allele origin: germline.
Comment: In summary, the available evidence is currently insufficient to determine the role of this variant in disease. Therefore, it has been classified as a Variant of Uncertain Significance. Algorithms developed to predict the effect of missense changes on protein structure and function output the following: SIFT: "Tolerated"; PolyPhen-2: "Benign"; Align-GVGD: "Class C0". The isoleucine amino acid residue is found in multiple mammalian species, which suggests that this missense change does not adversely affect protein function. This variant has not been reported in the literature in individuals affected with CA2-related conditions. This variant is present in population databases (rs186437298, ExAC 0.009%). This sequence change replaces valine with isoleucine at codon 149 of the CA2 protein (p.Val149Ile). The valine residue is moderately conserved and there is a small physicochemical difference between valine and isoleucine.